The following is an entry in ClinVar:

ClinVar aggregate classification (germline): Uncertain significance (1 of 4 stars; one submission).

Conditions:
Cardiovascular phenotype. Identifiers: MedGen CN230736.

gnomAD v4.1: 4 of 1,613,186 alleles (0.00025%); highest among the groups gnomAD compares: South Asian, 0.0033%; no homozygotes.

Submission:

Ambry Genetics
Classification: Uncertain significance for Cardiovascular phenotype. Last evaluated: 2026-06-15. Review status: criteria provided, single submitter. Criteria: Ambry Variant Classification Scheme 2023. Collection method: clinical testing. Allele origin: germline.
Comment: The p.E13G variant (also known as c.38A>G), located in coding exon 1 of the SHOC2 gene, results from an A to G substitution at nucleotide position 38. The glutamic acid at codon 13 is replaced by glycine, an amino acid with similar properties. This amino acid position is conserved. In addition, this alteration is predicted to be tolerated by in silico analysis. Based on the available evidence, the clinical significance of this variant remains unclear.

NM_007373.4(SHOC2):c.38A>G (p.Glu13Gly)

Gene: SHOC2 (SHOC2 leucine rich repeat scaffold protein; plus strand). Cytogenetic location: 10q25.2.
Variant type: single nucleotide variant.
Coding change: c.38A>G on transcript NM_007373.4 (MANE Select); coding-DNA position 38, A replaced by G.
Protein change: p.Glu13Gly; replaces glutamic acid 13 with glycine.
Molecular consequence: missense variant. On other transcripts: 5 prime UTR variant (1), non-coding transcript variant (1), intron variant (3).
Genome position (GRCh38, 1-based): chr10:110,964,396, A>G. VCF-style: chr10-110964396-A-G. GRCh37 (hg19) VCF-style: chr10-112724154-A-G.
Other names: c.38A>G, p.Glu13Gly (NM_001441184.1, NM_001441185.1, NM_001441186.1 and 4 more transcripts); c.-749A>G (NM_001441188.1); c.-380-21232A>G (NM_001441190.1); c.-249-21232A>G (NM_001441191.1); c.-242-36019A>G (NM_001441189.1); short protein forms E13G.
Identifiers: ClinVar variation 5029548 (VCV005029548.1).